The following is an entry in ClinVar:

NM_000535.7(PMS2):c.17G>T (p.Ser6Ile)

Gene: PMS2 (PMS1 homolog 2, mismatch repair system component; minus strand). Cytogenetic location: 7p22.1.
Variant type: single nucleotide variant.
Coding change: c.17G>T on transcript NM_000535.7 (MANE Select); coding-DNA position 17, G replaced by T.
Protein change: p.Ser6Ile; replaces serine 6 with isoleucine.
Molecular consequence: missense variant. On other transcripts: 5 prime UTR variant (11), non-coding transcript variant (1).
Genome position (GRCh38, 1-based): chr7:6,009,003, C>A on the plus strand (G>T on the coding strand, the complement: PMS2 is on the minus strand). VCF-style: chr7-6009003-C-A. GRCh37 (hg19) VCF-style: chr7-6048634-C-A.
Other names: c.-384G>T (NM_001322003.2, NM_001322013.2); c.-249G>T (NM_001322004.2, NM_001322010.2); c.-579G>T (NM_001322005.2); c.17G>T, p.Ser6Ile (NM_001322006.2, NM_001322014.2); c.-199G>T (NM_001322007.2); c.-59G>T (NM_001322008.2); c.-574G>T (NM_001322009.2); c.-868G>T (NM_001322011.2); and 2 more; short protein forms S6I.
Identifiers: ClinVar variation 857392 (VCV000857392.12), dbSNP rs587781112, ClinGen allele CA366745227.

ClinVar aggregate classification (germline): Uncertain significance. Review status: criteria provided, multiple submitters, no conflicts (2 of 4 stars). 2 submissions from 2 submitters: Uncertain significance (2). Last evaluated 2026-06-18.

Conditions:
Hereditary nonpolyposis colorectal neoplasms. Identifiers: MedGen C0009405, MeSH D003123.
Hereditary cancer-predisposing syndrome. Also called: Tumor predisposition; Hereditary neoplastic syndrome; Neoplastic Syndromes, Hereditary; Hereditary Cancer Syndrome. Identifiers: Orphanet 140162, MedGen C0027672, MeSH D009386, MONDO:0015356.

Submissions (2):

Ambry Genetics
Classification: Uncertain significance for Hereditary cancer-predisposing syndrome. Last evaluated: 2026-06-18. Review status: criteria provided, single submitter. Criteria: Ambry Variant Classification Scheme 2023. Collection method: clinical testing. Allele origin: germline.
Comment: The p.S6I variant (also known as c.17G>T), located in coding exon 1 of the PMS2 gene, results from a G to T substitution at nucleotide position 17. The serine at codon 6 is replaced by isoleucine, an amino acid with dissimilar properties. This amino acid position is poorly conserved in available vertebrate species. In addition, the in silico prediction for this alteration is inconclusive. Based on the available evidence, the clinical significance of this variant remains unclear.

Labcorp Genetics (formerly Invitae), Labcorp
Classification: Uncertain significance for Hereditary nonpolyposis colorectal neoplasms. Last evaluated: 2025-10-26. Review status: criteria provided, single submitter. Criteria: Invitae Variant Classification Sherloc (09022015). Collection method: clinical testing. Allele origin: germline.
Comment: This sequence change replaces serine, which is neutral and polar, with isoleucine, which is neutral and non-polar, at codon 6 of the PMS2 protein (p.Ser6Ile). This variant is not present in population databases (gnomAD no frequency). This variant has not been reported in the literature in individuals affected with PMS2-related conditions. ClinVar contains an entry for this variant (Variation ID: 857392). Invitae Evidence Modeling incorporating data from in vitro experimental studies (internal data) indicates that this missense variant is not expected to disrupt PMS2 function with a negative predictive value of 95%. In summary, the available evidence is currently insufficient to determine the role of this variant in disease. Therefore, it has been classified as a Variant of Uncertain Significance.